The following is an entry in ClinVar:

NM_004629.2(FANCG):c.685C>G (p.Leu229Val)

Gene: FANCG (FA complementation group G; minus strand). Cytogenetic location: 9p13.3.
Variant type: single nucleotide variant.
Coding change: c.685C>G on transcript NM_004629.2 (MANE Select); coding-DNA position 685, C replaced by G.
Protein change: p.Leu229Val; replaces leucine 229 with valine.
Molecular consequence: missense variant.
Genome position (GRCh38, 1-based): chr9:35,077,063, G>C on the plus strand (C>G on the coding strand, the complement: FANCG is on the minus strand). VCF-style: chr9-35077063-G-C. GRCh37 (hg19) VCF-style: chr9-35077060-G-C.
Other names: short protein forms L229V.
Identifiers: ClinVar variation 4619347 (VCV004619347.1).

ClinVar aggregate classification (germline): Uncertain significance (1 of 4 stars; one submission).

Conditions:
Inborn genetic diseases. Identifiers: MedGen C0950123, MeSH D030342.

Submission:

Ambry Genetics
Classification: Uncertain significance for Inborn genetic diseases. Last evaluated: 2025-09-19. Review status: criteria provided, single submitter. Criteria: Ambry Variant Classification Scheme 2023. Collection method: clinical testing. Allele origin: germline.
Comment: The p.L229V variant (also known as c.685C>G), located in coding exon 6 of the FANCG gene, results from a C to G substitution at nucleotide position 685. The leucine at codon 229 is replaced by valine, an amino acid with highly similar properties. This amino acid position is conserved. In addition, this alteration is predicted to be tolerated by in silico analysis. Based on the available evidence, the clinical significance of this variant remains unclear.